The following is an entry in ClinVar:

NM_001853.4(COL9A3):c.445C>G (p.Leu149Val)

Gene: COL9A3 (collagen type IX alpha 3 chain; plus strand). Cytogenetic location: 20q13.33.
Variant type: single nucleotide variant.
Coding change: c.445C>G on transcript NM_001853.4 (MANE Select); coding-DNA position 445, C replaced by G.
Protein change: p.Leu149Val; replaces leucine 149 with valine.
Molecular consequence: missense variant.
Genome position (GRCh38, 1-based): chr20:62,822,132, C>G. VCF-style: chr20-62822132-C-G. GRCh37 (hg19) VCF-style: chr20-61453484-C-G.
Other names: short protein forms L149V.
Identifiers: ClinVar variation 3637711 (VCV003637711.2).

ClinVar aggregate classification (germline): Uncertain significance (1 of 4 stars; one submission).

Submission:

Labcorp Genetics (formerly Invitae), Labcorp
Classification: Uncertain significance. Last evaluated: 2024-07-04. Review status: criteria provided, single submitter. Criteria: Invitae Variant Classification Sherloc (09022015). Collection method: clinical testing. Allele origin: germline.
Comment: This sequence change replaces leucine, which is neutral and non-polar, with valine, which is neutral and non-polar, at codon 149 of the COL9A3 protein (p.Leu149Val). This variant is not present in population databases (gnomAD no frequency). This variant has not been reported in the literature in individuals affected with COL9A3-related conditions. Advanced modeling of protein sequence and biophysical properties (such as structural, functional, and spatial information, amino acid conservation, physicochemical variation, residue mobility, and thermodynamic stability) performed at Invitae indicates that this missense variant is not expected to disrupt COL9A3 protein function with a negative predictive value of 95%. In summary, the available evidence is currently insufficient to determine the role of this variant in disease. Therefore, it has been classified as a Variant of Uncertain Significance.